The following is an entry in ClinVar:

NM_001195248.2(APTX):c.304G>A (p.Glu102Lys)

Gene: APTX (aprataxin; minus strand). Cytogenetic location: 9p21.1.
Variant type: single nucleotide variant.
Coding change: c.304G>A on transcript NM_001195248.2 (MANE Select); coding-DNA position 304, G replaced by A.
Protein change: p.Glu102Lys; replaces glutamic acid 102 with lysine.
Molecular consequence: missense variant. On other transcripts: non-coding transcript variant (13), intron variant (1).
Genome position (GRCh38, 1-based): chr9:32,987,723, C>T on the plus strand (G>A on the coding strand, the complement: APTX is on the minus strand). VCF-style: chr9-32987723-C-T. GRCh37 (hg19) VCF-style: chr9-32987721-C-T.
Other names: c.304G>A, p.Glu102Lys (NM_175073.3, NM_001195249.2, NM_001195251.2 and 6 more transcripts); c.142G>A, p.Glu48Lys (NM_001195250.2, NM_001195254.2, NM_001369000.1 and 1 more transcripts); c.40G>A, p.Glu14Lys (NM_001369002.1, NM_001369003.1, NM_001369004.1 and 5 more transcripts); c.267+37G>A (NM_001195252.2); short protein forms E102K, E14K, E48K.
Identifiers: ClinVar variation 4083194 (VCV004083194.1).

ClinVar aggregate classification (germline): Uncertain significance (1 of 4 stars; one submission).

gnomAD v4.1: 15 of 1,614,042 alleles (0.00093%); highest among the groups gnomAD compares: African/African-American, 0.019%; no homozygotes.

Submission:

GeneDx
Classification: Uncertain significance. Last evaluated: 2025-03-13. Review status: criteria provided, single submitter. Criteria: GeneDx Variant Classification Process June 2021. Collection method: clinical testing. Allele origin: germline. Affected: yes.
Comment: In silico analysis indicates that this missense variant does not alter protein structure/function; Has not been previously published as pathogenic or benign to our knowledge